The following is an entry in ClinVar:

ClinVar aggregate classification (germline): Likely benign. Review status: criteria provided, multiple submitters, no conflicts (2 of 4 stars). 5 submissions from 5 submitters: Likely benign (5). Last evaluated 2025-12-19.

Allele frequency attached by ClinVar (database versions not stated): TOPMed 0.00013; gnomAD exomes 0.00015 and 0.00021; gnomAD 0.00019 and 0.00020; ExAC 0.00020; ESP Exome Variant Server 0.00023; 1000 Genomes Project 30x 0.00031; 1000 Genomes Project 0.00040.
gnomAD v4.1: 343 of 1,614,146 alleles (0.021%); highest among the groups gnomAD compares: Non-Finnish European, 0.025%; no homozygotes.

Submissions (5):

Labcorp Genetics (formerly Invitae), Labcorp
Classification: Likely benign. Last evaluated: 2025-12-19. Review status: criteria provided, single submitter. Criteria: Invitae Variant Classification Sherloc (09022015). Collection method: clinical testing. Allele origin: germline.

Blueprint Genetics
Classification: Likely benign. Last evaluated: 2024-11-08. Review status: criteria provided, single submitter. Criteria: ACMG Guidelines, 2015. Collection method: clinical testing. Allele origin: germline.

GeneDx
Classification: Likely benign. Last evaluated: 2021-03-23. Review status: criteria provided, single submitter. Criteria: GeneDx Variant Classification Process June 2021. Collection method: clinical testing. Allele origin: germline. Affected: yes.

Laboratory for Molecular Medicine, Mass General Brigham Personalized Medicine
Classification: Likely benign. Last evaluated: 2012-04-30. Review status: criteria provided, single submitter. Criteria: LMM Criteria. Collection method: clinical testing. Allele origin: germline. Observed: 1 variant allele.
Comment: Cys350Cys in Exon 08 of SERPINB6: This variant is not expected to have clinical significance because it does not alter an amino acid residue, is not located wit hin the splice consensus sequence, and has been identified in 2/7020 European Am erican chromosomes from a broad population by the NHLBI Exome Sequencing Project.

Breakthrough Genomics
Classification: Likely benign. Review status: criteria provided, single submitter. Criteria: ACMG Guidelines, 2015. Collection method: not provided. Allele origin: germline. Inheritance: Autosomal recessive inheritance. Affected: yes.

NM_004568.6(SERPINB6):c.1050C>T (p.Cys350=)

Gene: SERPINB6 (serpin family B member 6; minus strand). Cytogenetic location: 6p25.2.
Variant type: single nucleotide variant.
Coding change: c.1050C>T on transcript NM_004568.6 (MANE Select); coding-DNA position 1050, C replaced by T.
Protein change: p.Cys350=; no amino-acid change (cysteine 350 retained).
Molecular consequence: synonymous variant. On other transcripts: non-coding transcript variant (1).
Genome position (GRCh38, 1-based): chr6:2,948,379, G>A on the plus strand (C>T on the coding strand, the complement: SERPINB6 is on the minus strand). VCF-style: chr6-2948379-G-A. GRCh37 (hg19) VCF-style: chr6-2948613-G-A.
Other names: c.1062C>T, p.Cys354= (NM_001195291.3, NM_001374515.1); c.1092C>T, p.Cys364= (NM_001271822.2); c.1107C>T, p.Cys369= (NM_001271823.2); c.1050C>T, p.Cys350= (NM_001271824.2, NM_001271825.2, NM_001297699.2 and 2 more transcripts); c.918C>T, p.Cys306= (NM_001374517.1).
Identifiers: ClinVar variation 227936 (VCV000227936.11), dbSNP rs201048748, ClinGen allele CA3617360.